The following is an entry in ClinVar:

NM_000295.5(SERPINA1):c.866dup (p.Asn289fs)

Gene: SERPINA1 (serpin family A member 1; minus strand). Cytogenetic location: 14q32.13.
Variant type: Duplication.
Coding change: c.866dup on transcript NM_000295.5 (MANE Select); coding-DNA position 866, one base duplicated (A; older notation c.866dupA).
Protein change: p.Asn289fs; shifts the reading frame from asparagine 289.
Molecular consequence: frameshift variant.
Genome position (GRCh38, 1-based): chr14:94,380,922, T duplicated on the plus strand (A on the coding strand, the reverse complement: SERPINA1 is on the minus strand); the first of 4 consecutive T bases (chr14:94,380,922-94,380,925); duplicating any one gives the same sequence. VCF-style (leftmost placement, unchanged base first): chr14-94380921-A-AT. GRCh37 (hg19) VCF-style: chr14-94847258-A-AT.
Other names: c.866dup, p.Asn289fs (NM_001002235.3, NM_001002236.3, NM_001127700.2 and 7 more transcripts); c.866dupA (NM_000295.5); short protein forms N289fs.
Identifiers: ClinVar variation 440499 (VCV000440499.8), dbSNP rs1555368557, ClinGen allele CA645509532.

ClinVar aggregate classification (germline): Pathogenic/Likely pathogenic. Review status: criteria provided, multiple submitters, no conflicts (2 of 4 stars). 5 submissions from 5 submitters: Pathogenic (3); Likely pathogenic (2). Last evaluated 2024-11-05.

Conditions:
SERPINA1-related disorder. Also called: SerpinA1-related disorders; SERPINA1-related condition.
Alpha-1-antitrypsin deficiency (A1ATD). Also called: AAT deficiency; A1AT deficiency; Alpha1-Antitrypsin Deficiency. Identifiers: Orphanet 60, MedGen C0221757, MONDO:0013282, OMIM 613490.

Submissions (5):

Women's Health and Genetics/Laboratory Corporation of America, LabCorp
Classification: Pathogenic for Alpha-1-antitrypsin deficiency. Last evaluated: 2024-11-05. Review status: criteria provided, single submitter. Criteria: LabCorp Variant Classification Summary - May 2015. Collection method: clinical testing. Allele origin: germline.
Comment: Variant summary: SERPINA1 c.866dupA (p.Asn289LysfsX2) results in a premature termination codon, predicted to cause a truncation of the encoded protein or absence of the protein due to nonsense mediated decay, which are commonly known mechanisms for disease. The variant was absent in 251476 control chromosomes. c.866dupA has been reported in the literature in individuals affected with Alpha-1-Antitrypsin Deficiency (example: Wieseman_2023). To our knowledge, no experimental evidence demonstrating an impact on protein function has been reported. The following publication has been ascertained in the context of this evaluation (PMID: 36367950). ClinVar contains an entry for this variant (Variation ID: 440499). Based on the evidence outlined above, the variant was classified as pathogenic.

Labcorp Genetics (formerly Invitae), Labcorp
Classification: Pathogenic for Alpha-1-antitrypsin deficiency. Last evaluated: 2024-02-19. Review status: criteria provided, single submitter. Criteria: Invitae Variant Classification Sherloc (09022015). Collection method: clinical testing. Allele origin: germline.
Comment: This sequence change creates a premature translational stop signal (p.Asn289Lysfs*2) in the SERPINA1 gene. It is expected to result in an absent or disrupted protein product. Loss-of-function variants in SERPINA1 are known to be pathogenic (PMID: 25425243). This variant is not present in population databases (gnomAD no frequency). This premature translational stop signal has been observed in individual(s) with SERPINA1-related conditions (PMID: 36367950). This variant is also known as QO Higuey. ClinVar contains an entry for this variant (Variation ID: 440499). Algorithms developed to predict the effect of sequence changes on RNA splicing suggest that this variant may disrupt the consensus splice site. For these reasons, this variant has been classified as Pathogenic.

Baylor Genetics
Classification: Likely pathogenic for Alpha-1-antitrypsin deficiency. Last evaluated: 2023-10-23. Review status: criteria provided, single submitter. Criteria: ACMG Guidelines, 2015. Collection method: clinical testing. Allele origin: unknown.

PreventionGenetics, part of Exact Sciences
Classification: Likely pathogenic for SERPINA1-related condition. Last evaluated: 2023-05-26. Review status: criteria provided, single submitter. Criteria: ACMG Guidelines, 2015. Collection method: clinical testing. Allele origin: germline.
Comment: The SERPINA1 c.866dupA variant is predicted to result in a frameshift and premature protein termination (p.Asn289Lysfs*2). To our knowledge, this variant has not been reported in the literature or in a large population database, indicating this variant is rare. Frameshift variants in SERPINA1 are expected to be pathogenic. This variant is interpreted as likely pathogenic.

HerediLab, Inc.
Classification: Pathogenic for Alpha-1 Antitrypsin Deficiency. Last evaluated: 2017-01-12. Review status: criteria provided, single submitter. Criteria: HerediLab_Assertion_Criteria. Collection method: clinical testing. Allele origin: germline. Affected: yes.

Literature cited by the submitters: PubMed 36367950 (cited by Women's Health and Genetics/Laboratory Corporation of America, LabCorp and Labcorp Genetics (formerly Invitae), Labcorp); PubMed 25425243 (cited by Labcorp Genetics (formerly Invitae), Labcorp).